The following is an entry in ClinVar:

ClinVar aggregate classification (germline): Uncertain significance (1 of 4 stars; one submission).

Conditions:
Hereditary cancer-predisposing syndrome. Also called: Neoplastic Syndromes, Hereditary; Tumor predisposition; Hereditary Cancer Syndrome; Hereditary neoplastic syndrome. Identifiers: Orphanet 140162, MedGen C0027672, MeSH D009386, MONDO:0015356.

Submission:

Ambry Genetics
Classification: Uncertain significance for Hereditary cancer-predisposing syndrome. Last evaluated: 2025-09-15. Review status: criteria provided, single submitter. Criteria: Ambry Variant Classification Scheme 2023. Collection method: clinical testing. Allele origin: germline.
Comment: The p.N150S variant (also known as c.449A>G), located in coding exon 4 of the FH gene, results from an A to G substitution at nucleotide position 449. The asparagine at codon 150 is replaced by serine, an amino acid with highly similar properties. This amino acid position is highly conserved in available vertebrate species. In addition, this alteration is predicted to be deleterious by in silico analysis. Based on the available evidence, the clinical significance of this variant remains unclear.

NM_000143.4(FH):c.449A>G (p.Asn150Ser)

Gene: FH (fumarate hydratase; minus strand). Cytogenetic location: 1q43.
Variant type: single nucleotide variant.
Coding change: c.449A>G on transcript NM_000143.4 (MANE Select); coding-DNA position 449, A replaced by G.
Protein change: p.Asn150Ser; replaces asparagine 150 with serine.
Molecular consequence: missense variant.
Genome position (GRCh38, 1-based): chr1:241,512,073, T>C on the plus strand (A>G on the coding strand, the complement: FH is on the minus strand). VCF-style: chr1-241512073-T-C. GRCh37 (hg19) VCF-style: chr1-241675373-T-C.
Other names: short protein forms N150S.
Identifiers: ClinVar variation 4641937 (VCV004641937.1).